The following is an entry in ClinVar:

ClinVar aggregate classification (germline): Uncertain significance (1 of 4 stars; one submission).

Conditions:
Combined immunodeficiency due to LRBA deficiency. Also called: Common variable immunodeficiency 8, with autoimmunity. Identifiers: Orphanet 445018, MedGen C3553512, MONDO:0013863, OMIM 614700.

Allele frequency attached by ClinVar (database versions not stated): gnomAD exomes below 0.00001.
gnomAD v4.1: 5 of 1,611,968 alleles (0.00031%); highest among the groups gnomAD compares: Non-Finnish European, 0.00034%; no homozygotes.

Submission:

Labcorp Genetics (formerly Invitae), Labcorp
Classification: Uncertain significance for Combined immunodeficiency due to LRBA deficiency. Last evaluated: 2018-09-13. Review status: criteria provided, single submitter. Criteria: Invitae Variant Classification Sherloc (09022015). Collection method: clinical testing. Allele origin: germline.
Comment: In summary, the available evidence is currently insufficient to determine the role of this variant in disease. Therefore, it has been classified as a Variant of Uncertain Significance. Algorithms developed to predict the effect of missense changes on protein structure and function output the following: SIFT: "Tolerated"; PolyPhen-2: "Benign"; Align-GVGD: "Class C0". The serine amino acid residue is found in multiple mammalian species, suggesting that this missense change does not adversely affect protein function. These predictions have not been confirmed by published functional studies and their clinical significance is uncertain. This variant has not been reported in the literature in individuals with LRBA-related disease. This variant is not present in population databases (ExAC no frequency). This sequence change replaces asparagine with serine at codon 1747 of the LRBA protein (p.Asn1747Ser). The asparagine residue is weakly conserved and there is a small physicochemical difference between asparagine and serine.

NM_001364905.1(LRBA):c.5240A>G (p.Asn1747Ser)

Gene: LRBA (LPS responsive beige-like anchor protein; minus strand). Cytogenetic location: 4q31.3.
Variant type: single nucleotide variant.
Coding change: c.5240A>G on transcript NM_001364905.1 (MANE Select); coding-DNA position 5240, A replaced by G.
Protein change: p.Asn1747Ser; replaces asparagine 1747 with serine.
Molecular consequence: missense variant.
Genome position (GRCh38, 1-based): chr4:150,817,189, T>C on the plus strand (A>G on the coding strand, the complement: LRBA is on the minus strand). VCF-style: chr4-150817189-T-C. GRCh37 (hg19) VCF-style: chr4-151738341-T-C.
Other names: c.5240A>G, p.Asn1747Ser (NM_001199282.3, NM_001367550.1, NM_006726.5); short protein forms N1747S.
Identifiers: ClinVar variation 659093 (VCV000659093.8), dbSNP rs1578877639, ClinGen allele CA358610361.